The following is an entry in ClinVar:

ClinVar aggregate classification (germline): Uncertain significance. Review status: criteria provided, single submitter (1 of 4 stars). 2 submissions from 2 submitters: Uncertain significance (1). 1 of the submissions does not count toward it. Last evaluated 2022-11-10.

Conditions:
PLXNA1-related disorder. Also called: PLXNA1-related condition.

Allele frequency attached by ClinVar (database versions not stated): gnomAD 0.00001; ExAC 0.00003; TOPMed 0.00003.
gnomAD v4.1: 6 of 1,613,026 alleles (0.00037%); highest among the groups gnomAD compares: African/African-American, 0.0027%; no homozygotes.

Submissions (2):

Ambry Genetics
Classification: Uncertain significance. Last evaluated: 2022-11-10. Review status: criteria provided, single submitter. Criteria: Ambry Variant Classification Scheme 2023. Collection method: clinical testing. Allele origin: germline.

PreventionGenetics, part of Exact Sciences
Classification: Uncertain significance for PLXNA1-related condition. Last evaluated: 2024-08-29. Review status: no assertion criteria provided. Collection method: clinical testing. Allele origin: germline. Not counted in ClinVar's aggregate classification.
Comment: The PLXNA1 c.4075G>A variant is predicted to result in the amino acid substitution p.Gly1359Arg. To our knowledge, this variant has not been reported in the literature. This variant is reported in 0.0062% of alleles in individuals of African descent in gnomAD. At this time, the clinical significance of this variant is uncertain due to the absence of conclusive functional and genetic evidence.

NM_032242.4(PLXNA1):c.4075G>A (p.Gly1359Arg)

Gene: PLXNA1 (plexin A1; plus strand). Cytogenetic location: 3q21.3.
Variant type: single nucleotide variant.
Coding change: c.4075G>A on transcript NM_032242.4 (MANE Select); coding-DNA position 4075, G replaced by A.
Protein change: p.Gly1359Arg; replaces glycine 1359 with arginine.
Molecular consequence: missense variant.
Genome position (GRCh38, 1-based): chr3:127,022,121, G>A. VCF-style: chr3-127022121-G-A. GRCh37 (hg19) VCF-style: chr3-126740964-G-A.
Other names: short protein forms G1359R.
Identifiers: ClinVar variation 2212822 (VCV002212822.3), dbSNP rs766170133, ClinGen allele CA2594236.